The following is an entry in ClinVar:

ClinVar aggregate classification (germline): Uncertain significance (1 of 4 stars; one submission).

Submission:

Labcorp Genetics (formerly Invitae), Labcorp
Classification: Uncertain significance. Last evaluated: 2022-03-19. Review status: criteria provided, single submitter. Criteria: Invitae Variant Classification Sherloc (09022015). Collection method: clinical testing. Allele origin: germline.
Comment: This sequence change replaces arginine, which is basic and polar, with lysine, which is basic and polar, at codon 913 of the FBN3 protein (p.Arg913Lys). This variant is not present in population databases (gnomAD no frequency). This variant has not been reported in the literature in individuals affected with FBN3-related conditions. Algorithms developed to predict the effect of missense changes on protein structure and function are either unavailable or do not agree on the potential impact of this missense change (SIFT: "Not Available"; PolyPhen-2: "Probably Damaging"; Align-GVGD: "Not Available"). In summary, the available evidence is currently insufficient to determine the role of this variant in disease. Therefore, it has been classified as a Variant of Uncertain Significance.

NM_032447.5(FBN3):c.2738G>A (p.Arg913Lys)

Gene: FBN3 (fibrillin 3; minus strand). Cytogenetic location: 19p13.2.
Variant type: single nucleotide variant.
Coding change: c.2738G>A on transcript NM_032447.5 (MANE Select); coding-DNA position 2738, G replaced by A.
Protein change: p.Arg913Lys; replaces arginine 913 with lysine.
Molecular consequence: missense variant.
Genome position (GRCh38, 1-based): chr19:8,124,002, C>T on the plus strand (G>A on the coding strand, the complement: FBN3 is on the minus strand). VCF-style: chr19-8124002-C-T. GRCh37 (hg19) VCF-style: chr19-8188886-C-T.
Other names: c.2738G>A, p.Arg913Lys (NM_001321431.2); short protein forms R913K.
Identifiers: ClinVar variation 2114618 (VCV002114618.4), dbSNP rs2512873746, ClinGen allele CA403694652.